The following is an entry in ClinVar:

NM_015512.5(DNAH1):c.12397C>T (p.Arg4133Cys)

Gene: DNAH1 (dynein axonemal heavy chain 1; plus strand). Cytogenetic location: 3p21.1.
Variant type: single nucleotide variant.
Coding change: c.12397C>T on transcript NM_015512.5 (MANE Select); coding-DNA position 12397, C replaced by T.
Protein change: p.Arg4133Cys; replaces arginine 4133 with cysteine.
Molecular consequence: missense variant.
Genome position (GRCh38, 1-based): chr3:52,399,157, C>T. VCF-style: chr3-52399157-C-T. GRCh37 (hg19) VCF-style: chr3-52433173-C-T.
Other names: short protein forms R4133C.
Identifiers: ClinVar variation 1478490 (VCV001478490.8), dbSNP rs776800142, ClinGen allele CA2436471.
Genomic context (GRCh38, chr3:52,399,157, plus strand): 5'-TGGATCAGTGGATTCTTCTTCCCCCAGGCTTTCTTAACAGGCACTCTGCAGAATTTTGCC[C>T]GCAAATTTGTCATCTCCATTGACACCATCTCCTTTGATTTCAAGGTCTGGGCACAGCCAG-3'
Protein context (NP_056327.4, residues 4123-4143): FLTGTLQNFA[Arg4133Cys]KFVISIDTIS

ClinVar aggregate classification (germline): Uncertain significance (1 of 4 stars; one submission).

Conditions:
Spermatogenic failure 18. Identifiers: MedGen C4539783, MONDO:0054615, OMIM 617576.
Ciliary dyskinesia, primary, 37 (CILD37). Also called: CILIARY DYSKINESIA, PRIMARY, 37, WITH OR WITHOUT SITUS INVERSUS. Identifiers: MedGen C4539798, MONDO:0033204, OMIM 617577.

Allele frequency attached by ClinVar (database versions not stated): gnomAD 0.00001; gnomAD exomes 0.00001 and 0.00002; TOPMed 0.00001; ExAC 0.00002.
gnomAD v4.1: 15 of 1,613,348 alleles (0.00093%); highest among the groups gnomAD compares: East Asian, 0.0022%; no homozygotes.

Submission:

Labcorp Genetics (formerly Invitae), Labcorp
Classification: Uncertain significance for Ciliary dyskinesia, primary, 37; Spermatogenic failure 18. Last evaluated: 2025-02-01. Review status: criteria provided, single submitter. Criteria: Invitae Variant Classification Sherloc (09022015). Collection method: clinical testing. Allele origin: germline.
Comment: This sequence change replaces arginine, which is basic and polar, with cysteine, which is neutral and slightly polar, at codon 4133 of the DNAH1 protein (p.Arg4133Cys). This variant is present in population databases (rs776800142, gnomAD 0.006%). This missense change has been observed in individual(s) with clinical features of multiple morphological abnormalities of the sperm flagella (PMID: 28577616). ClinVar contains an entry for this variant (Variation ID: 1478490). Invitae Evidence Modeling of protein sequence and biophysical properties (such as structural, functional, and spatial information, amino acid conservation, physicochemical variation, residue mobility, and thermodynamic stability) indicates that this missense variant is expected to disrupt DNAH1 protein function with a positive predictive value of 80%. In summary, the available evidence is currently insufficient to determine the role of this variant in disease. Therefore, it has been classified as a Variant of Uncertain Significance.

Literature cited by the submitters: PubMed 28577616.